The following is an entry in ClinVar:

ClinVar aggregate classification (germline): Uncertain significance. Review status: criteria provided, multiple submitters, no conflicts (2 of 4 stars). 2 submissions from 2 submitters: Uncertain significance (2). Last evaluated 2025-02-19.

Allele frequency attached by ClinVar (database versions not stated): gnomAD exomes below 0.00001.
gnomAD v4.1: 2 of 1,613,066 alleles (0.00012%); highest among the groups gnomAD compares: East Asian, 0.0022%; no homozygotes.

Submissions (2):

Labcorp Genetics (formerly Invitae), Labcorp
Classification: Uncertain significance. Last evaluated: 2025-02-19. Review status: criteria provided, single submitter. Criteria: Invitae Variant Classification Sherloc (09022015). Collection method: clinical testing. Allele origin: germline.
Comment: This sequence change replaces asparagine, which is neutral and polar, with serine, which is neutral and polar, at codon 260 of the RASA2 protein (p.Asn260Ser). This variant is not present in population databases (gnomAD no frequency). This variant has not been reported in the literature in individuals affected with RASA2-related conditions. ClinVar contains an entry for this variant (Variation ID: 1760660). Invitae Evidence Modeling of protein sequence and biophysical properties (such as structural, functional, and spatial information, amino acid conservation, physicochemical variation, residue mobility, and thermodynamic stability) indicates that this missense variant is not expected to disrupt RASA2 protein function with a negative predictive value of 80%. In summary, the available evidence is currently insufficient to determine the role of this variant in disease. Therefore, it has been classified as a Variant of Uncertain Significance.

Ambry Genetics
Classification: Uncertain significance. Last evaluated: 2024-12-05. Review status: criteria provided, single submitter. Criteria: Ambry Variant Classification Scheme 2023. Collection method: clinical testing. Allele origin: germline.
Comment: The p.N260S variant (also known as c.779A>G), located in coding exon 9 of the RASA2 gene, results from an A to G substitution at nucleotide position 779. The asparagine at codon 260 is replaced by serine, an amino acid with highly similar properties. This amino acid position is conserved. In addition, this alteration is predicted to be tolerated by in silico analysis. Since supporting evidence is limited at this time, the clinical significance of this alteration remains unclear.

NM_006506.5(RASA2):c.779A>G (p.Asn260Ser)

Gene: RASA2 (RAS p21 protein activator 2; plus strand). Cytogenetic location: 3q23.
Variant type: single nucleotide variant.
Coding change: c.779A>G on transcript NM_006506.5 (MANE Select); coding-DNA position 779, A replaced by G.
Protein change: p.Asn260Ser; replaces asparagine 260 with serine.
Molecular consequence: missense variant.
Genome position (GRCh38, 1-based): chr3:141,559,911, A>G. VCF-style: chr3-141559911-A-G. GRCh37 (hg19) VCF-style: chr3-141278753-A-G.
Other names: c.779A>G, p.Asn260Ser (NM_001303245.3, NM_001303246.3); short protein forms N260S.
Identifiers: ClinVar variation 1760660 (VCV001760660.4), dbSNP rs1184308725, ClinGen allele CA354773013.
Genomic context (GRCh38, chr3:141,559,911, plus strand): 5'-TAAACATTGTTTGCAAAACATAAAGCCAGTTTTCAATTTTCAGGATCGACTTGTGGAACA[A>G]TGGAAACCTAGTCCAAGATGTTTTCCTAGGTGAGATTAAGGTTCCTGTGAACGTATTAAG-3'
Protein context (NP_006497.2, residues 250-270): KLEIRIDLWN[Asn260Ser]GNLVQDVFLG